The following is an entry in ClinVar:

ClinVar aggregate classification (germline): Likely benign (1 of 4 stars; one submission).

Conditions:
TTC21B-related disorder. Also called: TTC21B-related disorders; TTC21B-related condition.

gnomAD v4.1: 2 of 1,614,042 alleles (0.00012%); highest among the groups gnomAD compares: African/African-American, 0.0027%; no homozygotes.

Submission:

PreventionGenetics, part of Exact Sciences
Classification: Likely benign for TTC21B-related condition. Last evaluated: 2025-07-22. Review status: criteria provided, single submitter. Criteria: ACMG Guidelines, 2015. Collection method: clinical testing. Allele origin: germline.
Comment: This variant is classified as likely benign based on ACMG/AMP sequence variant interpretation guidelines (Richards et al. 2015 PMID: 25741868, with internal and published modifications).

NM_024753.5(TTC21B):c.3633A>G (p.Ala1211=)

Gene: TTC21B (tetratricopeptide repeat domain 21B; minus strand). Cytogenetic location: 2q24.3.
Variant type: single nucleotide variant.
Coding change: c.3633A>G on transcript NM_024753.5 (MANE Select); coding-DNA position 3633, A replaced by G.
Protein change: p.Ala1211=; no amino-acid change (alanine 1211 retained).
Molecular consequence: synonymous variant.
Genome position (GRCh38, 1-based): chr2:165,883,845, T>C on the plus strand (A>G on the coding strand, the complement: TTC21B is on the minus strand). VCF-style: chr2-165883845-T-C. GRCh37 (hg19) VCF-style: chr2-166740355-T-C.
Identifiers: ClinVar variation 5001373 (VCV005001373.1).